The following is an entry in ClinVar:

NM_001363.5(DKC1):c.64T>G (p.Leu22Val)

Gene: DKC1 (dyskerin pseudouridine synthase 1; plus strand). Cytogenetic location: Xq28.
Variant type: single nucleotide variant.
Coding change: c.64T>G on transcript NM_001363.5 (MANE Select); coding-DNA position 64, T replaced by G.
Protein change: p.Leu22Val; replaces leucine 22 with valine.
Molecular consequence: missense variant. On other transcripts: non-coding transcript variant (3).
Genome position (GRCh38, 1-based): chrX:154,764,946, T>G. VCF-style: chrX-154764946-T-G. GRCh37 (hg19) VCF-style: chrX-153993221-T-G.
Other names: c.64T>G, p.Leu22Val (NM_001142463.3, NM_001288747.2); c.64T>G (NM_001363.3); short protein forms L22V.
Identifiers: ClinVar variation 839448 (VCV000839448.10), dbSNP rs781849751, ClinGen allele CA10566959.

ClinVar aggregate classification (germline): Uncertain significance. Review status: criteria provided, multiple submitters, no conflicts (2 of 4 stars). 3 submissions from 3 submitters: Uncertain significance (3). Last evaluated 2025-01-17.

Conditions:
DKC1-related disorder. Also called: DKC1-related condition. Identifiers: MedGen CN294808, MONDO:0100152.
Dyskeratosis congenita. Identifiers: Orphanet 1775, MedGen C0265965, MONDO:0015780.

Allele frequency attached by ClinVar (database versions not stated): gnomAD exomes 0.00001; gnomAD 0.00002 and 0.00003; TOPMed 0.00002; ExAC 0.00001.
gnomAD v4.1: 12 of 1,206,678 alleles (0.00099%); highest among the groups gnomAD compares: Non-Finnish European, 0.0012%; no homozygotes.

Submissions (3):

PreventionGenetics, part of Exact Sciences
Classification: Uncertain significance for DKC1-related condition. Last evaluated: 2025-01-17. Review status: criteria provided, single submitter. Criteria: ACMG Guidelines, 2015. Collection method: clinical testing. Allele origin: germline.
Comment: The DKC1 c.64T>G variant is predicted to result in the amino acid substitution p.Leu22Val. To our knowledge, this variant has not been reported in the literature. This variant is reported in 0.0032% of alleles in individuals of European (Non-Finnish) descent in gnomAD. At this time, the clinical significance of this variant is uncertain due to the absence of conclusive functional and genetic evidence.

Ambry Genetics
Classification: Uncertain significance for Dyskeratosis congenita. Last evaluated: 2024-09-11. Review status: criteria provided, single submitter. Criteria: Ambry Variant Classification Scheme 2023. Collection method: clinical testing. Allele origin: germline.

Labcorp Genetics (formerly Invitae), Labcorp
Classification: Uncertain significance for Dyskeratosis congenita. Last evaluated: 2022-08-31. Review status: criteria provided, single submitter. Criteria: Invitae Variant Classification Sherloc (09022015). Collection method: clinical testing. Allele origin: germline.
Comment: This sequence change replaces leucine, which is neutral and non-polar, with valine, which is neutral and non-polar, at codon 22 of the DKC1 protein (p.Leu22Val). This variant is present in population databases (rs781849751, gnomAD 0.003%). This variant has not been reported in the literature in individuals affected with DKC1-related conditions. ClinVar contains an entry for this variant (Variation ID: 839448). Algorithms developed to predict the effect of missense changes on protein structure and function output the following: SIFT: "Deleterious"; PolyPhen-2: "Benign"; Align-GVGD: "Class C0". The valine amino acid residue is found in multiple mammalian species, which suggests that this missense change does not adversely affect protein function. In summary, the available evidence is currently insufficient to determine the role of this variant in disease. Therefore, it has been classified as a Variant of Uncertain Significance.